The following is an entry in ClinVar:

NM_003477.3(PDHX):c.816+1G>A

Gene: PDHX (pyruvate dehydrogenase complex component X; plus strand). Cytogenetic location: 11p13.
Variant type: single nucleotide variant.
Coding change: c.816+1G>A on transcript NM_003477.3 (MANE Select); the canonical splice donor site of the intron after coding-DNA position 816, G replaced by A.
Molecular consequence: splice donor variant. On other transcripts: intron variant (1).
Genome position (GRCh38, 1-based): chr11:34,966,815, G>A. VCF-style: chr11-34966815-G-A. GRCh37 (hg19) VCF-style: chr11-34988362-G-A.
Other names: c.636+1G>A (NM_001135024.2); c.343-17755G>A (NM_001166158.2).
Identifiers: ClinVar variation 1067131 (VCV001067131.9), dbSNP rs375860866, ClinGen allele CA5945999.

ClinVar aggregate classification (germline): Likely pathogenic. Review status: criteria provided, multiple submitters, no conflicts (2 of 4 stars). 2 submissions from 2 submitters: Likely pathogenic (2). Last evaluated 2025-08-27.

Conditions:
Pyruvate dehydrogenase E3-binding protein deficiency (PDHXD). Also called: E3-Binding Protein (Component X) Deficiency; LACTIC ACIDEMIA DUE TO DEFECT IN LIPOYL-CONTAINING COMPONENT X OF THE PYRUVATE DEHYDROGENASE COMPLEX; Lacticacidemia due to PDX1 deficiency; PYRUVATE HYDROGENASE E3-BINDING PROTEIN DEFICIENCY. Identifiers: Orphanet 255182, MedGen C1855553, MONDO:0009503, OMIM 245349.

Allele frequency attached by ClinVar (database versions not stated): ExAC 0.00002; ESP Exome Variant Server 0.00008; gnomAD 0.00001; gnomAD exomes 0.00001; TOPMed 0.00001.
gnomAD v4.1: 9 of 1,611,366 alleles (0.00056%); highest among the groups gnomAD compares: Admixed American, 0.0017%; no homozygotes.

Submissions (2):

Labcorp Genetics (formerly Invitae), Labcorp
Classification: Likely pathogenic. Last evaluated: 2025-08-27. Review status: criteria provided, single submitter. Criteria: Invitae Variant Classification Sherloc (09022015). Collection method: clinical testing. Allele origin: germline.
Comment: This sequence change affects a donor splice site in intron 6 of the PDHX gene. It is expected to disrupt RNA splicing. Variants that disrupt the donor or acceptor splice site typically lead to a loss of protein function (PMID: 16199547), and loss-of-function variants in PDHX are known to be pathogenic (PMID: 16904023, 21914562). This variant is present in population databases (rs375860866, gnomAD 0.003%). This variant has not been reported in the literature in individuals affected with PDHX-related conditions. ClinVar contains an entry for this variant (Variation ID: 1067131). Algorithms developed to predict the effect of sequence changes on RNA splicing suggest that this variant may disrupt the consensus splice site. In summary, the currently available evidence indicates that the variant is pathogenic, but additional data are needed to prove that conclusively. Therefore, this variant has been classified as Likely Pathogenic.

Juno Genomics, Hangzhou Juno Genomics, Inc
Classification: Likely pathogenic for Pyruvate dehydrogenase E3-binding protein deficiency. Review status: criteria provided, single submitter. Criteria: ACMG Guidelines, 2015. Collection method: clinical testing. Allele origin: germline.
Comment: Absent from controls (or at extremely low frequency if recessive) in Genome Aggregation Database.;Null variant in a gene where loss of function (LOF) is a known mechanism of disease.

Literature cited by the submitters: PubMed 16199547 (cited by Labcorp Genetics (formerly Invitae), Labcorp); PubMed 16904023 (cited by Labcorp Genetics (formerly Invitae), Labcorp); PubMed 21914562 (cited by Labcorp Genetics (formerly Invitae), Labcorp).